The following continues an entry in ClinVar:

NM_000059.4(BRCA2):c.3109C>T (p.Gln1037Ter)

Gene: BRCA2. ClinVar aggregate classification (germline): Pathogenic. Pathogenic (1).

Submissions 8 to 20 of 20:

Women's Health and Genetics/Laboratory Corporation of America, LabCorp
Classification: Pathogenic for Hereditary breast ovarian cancer syndrome. Last evaluated: 2024-01-22. Review status: criteria provided, single submitter. Criteria: LabCorp Variant Classification Summary - May 2015. Collection method: clinical testing. Allele origin: germline. Not counted in ClinVar's aggregate classification.
Comment: Variant summary: BRCA2 c.3109C>T (p.Gln1037X) results in a premature termination codon, predicted to cause a truncation of the encoded protein or absence of the protein due to nonsense mediated decay, which are commonly known mechanisms for disease. The variant allele was found at a frequency of 4e-06 in 251478 control chromosomes. c.3109C>T has been reported in the literature in multiple individuals affected with Hereditary Breast And Ovarian Cancer Syndrome (e.g., Kwong_2012, Ng_2016, Lang_2017). These data indicate that the variant is very likely to be associated with disease. The following publications have been ascertained in the context of this evaluation (PMID: 22970155, 26757417, 28294317). ClinVar contains an entry for this variant (Variation ID: 37819). Based on the evidence outlined above, the variant was classified as pathogenic.

GeneDx
Classification: Pathogenic. Last evaluated: 2023-01-02. Review status: criteria provided, single submitter. Criteria: GeneDx Variant Classification Process June 2021. Collection method: clinical testing. Allele origin: germline. Affected: yes. Not counted in ClinVar's aggregate classification.
Comment: Nonsense variant predicted to result in protein truncation or nonsense mediated decay in a gene for which loss-of-function is a known mechanism of disease; Reported as a Chinese founder variant, observed in individuals with breast and/or ovarian cancer (Khoo et al., 2000; Liede et al., 2002; Machackova et al., 2008; Kwong et al., 2009; Cao et al., 2016; Yang et al., 2017); Not observed at significant frequency in large population cohorts (gnomAD); Truncating variants in this gene are considered pathogenic by a well-established clinical consortium and/or database; Also known as 3337C>T; This variant is associated with the following publications: (PMID: 10874312, 24824628, 25525159, 24312913, 29752822, 28724667, 30078507, 29446198, 30720243, 30702160, 31174498, 30093976, 30972954, 22970155, 11857749, 19353265, 20396944, 26852015, 21901790, 27157322, 20104584, 18489799, 12181777, 19241424, 23318652, 18779604, 26757417, 20950396, 28176296, 28918466, 28664506, 28961279, 29681614, 29805665, 28664449, 29566657, 29128982, 29202330, 29625052, 29487695, 28692638, 28294317, 26556299, 28993434, 32318955, 32885271, 31957001, 31742824, 33054725, 32029870, 32091409, 32719484, 31825140, 30875412, 30982232, 32101877, 30787465, 33646313, 29922827)

CHEO Genetics Diagnostic Laboratory, Children's Hospital of Eastern Ontario
Classification: Pathogenic for Breast and/or ovarian cancer. Last evaluated: 2021-11-25. Review status: criteria provided, single submitter. Criteria: ACMG Guidelines, 2015. Collection method: clinical testing. Allele origin: germline. Not counted in ClinVar's aggregate classification.

Quest Diagnostics Nichols Institute San Juan Capistrano
Classification: Pathogenic. Last evaluated: 2021-05-17. Review status: criteria provided, single submitter. Criteria: Quest Diagnostics criteria. Collection method: clinical testing. Allele origin: unknown. Not counted in ClinVar's aggregate classification.
Comment: This nonsense variant causes the premature termination of BRCA2 protein synthesis. In addition, it has been described a recurrent founder mutation in individuals with breast cancer of Chinese ethnicity (PMID: 32318955 (2020), 31957001 (2020), 30982232 (2019), 29566657 (2018), 28993434 (2018), 28692638 (2017), 28664506 (2017), 28294317 (2017), 26852015 (2016), 26757417 (2016)). The frequency of this variant in the general population is consistent with pathogenicity. Based on the available information, this variant is classified as pathogenic.

Fulgent Genetics
Classification: Pathogenic for Familial cancer of breast; Medulloblastoma; Familial prostate cancer; Wilms tumor 1; Fanconi anemia complementation group D1; Breast-ovarian cancer, familial, susceptibility to, 2; Glioma susceptibility 3; Pancreatic cancer, susceptibility to, 2. Last evaluated: 2018-10-31. Review status: criteria provided, single submitter. Criteria: ACMG Guidelines, 2015. Collection method: clinical testing. Allele origin: unknown. Not counted in ClinVar's aggregate classification.

Consortium of Investigators of Modifiers of BRCA1/2 (CIMBA), c/o University of Cambridge
Classification: Pathogenic for Breast-ovarian cancer, familial, susceptibility to, 2. Last evaluated: 2015-10-02. Review status: criteria provided, single submitter. Criteria: CIMBA Mutation Classification guidelines May 2016. Collection method: clinical testing. Allele origin: germline. Not counted in ClinVar's aggregate classification.

Juno Genomics, Hangzhou Juno Genomics, Inc
Classification: Pathogenic for Wilms tumor 1; Familial cancer of breast; Breast-ovarian cancer, familial, susceptibility to, 2; Glioma susceptibility 3; Medulloblastoma; Pancreatic cancer, susceptibility to, 2; Familial prostate cancer; Fanconi anemia complementation group D1. Review status: criteria provided, single submitter. Criteria: ACMG Guidelines, 2015. Collection method: clinical testing. Allele origin: germline. Not counted in ClinVar's aggregate classification.
Comment: Absent from controls (or at extremely low frequency if recessive) in Genome Aggregation Database.;Null variant in a gene where loss of function (LOF) is a known mechanism of disease.;Novel missense change at an amino acid residue where a different missense change determined to be pathogenic has been seen before.;The prevalence of the variant in affected individuals is significantly increased compared to the prevalence in controls.

PreventionGenetics, part of Exact Sciences
Classification: Pathogenic for BRCA2-related condition. Last evaluated: 2024-02-23. Review status: no assertion criteria provided. Collection method: clinical testing. Allele origin: germline. Not counted in ClinVar's aggregate classification.
Comment: The BRCA2 c.3109C>T variant is predicted to result in premature protein termination (p.Gln1037*). This variant has been reported in multiple individuals with breast and/or ovarian cancer (see for example, Table S2, Kwong et al. 2015. PubMed ID: 26187060; Table 1, Cao et al. 2016. PubMed ID: 26852015; Table 6, Akbar et al. 2022. PubMed ID: 35710434). This variant is reported in 0.0054% of alleles in individuals of East Asian descent in gnomAD. This variant has been classified as pathogenic by an expert panel in ClinVar. Nonsense variants in BRCA2 are expected to be pathogenic. This variant is interpreted as pathogenic.

Research Molecular Genetics Laboratory, Women's College Hospital, University of Toronto
Classification: Pathogenic for Hereditary breast ovarian cancer syndrome. Last evaluated: 2014-01-31. Review status: no assertion criteria provided. Collection method: research. Allele origin: germline. Affected: yes. Study: The Canadian Open Genetics Repository (COGR). Not counted in ClinVar's aggregate classification.

Sharing Clinical Reports Project (SCRP)
Classification: Pathogenic for Breast-ovarian cancer, familial 2. Last evaluated: 2011-11-07. Review status: no assertion criteria provided. Collection method: clinical testing. Allele origin: germline. Not counted in ClinVar's aggregate classification.

Breast Cancer Information Core (BIC) (BRCA2)
No classification provided. Condition: Breast-ovarian cancer, familial 2. Review status: no classification provided. Collection method: clinical testing. Allele origin: germline, somatic. Affected: yes. Observed: 14 variant alleles. Not counted in ClinVar's aggregate classification.

Center for Precision Medicine, Meizhou People's Hospital
Classification: Pathogenic for Familial cancer of breast. Review status: no assertion criteria provided. Collection method: literature only. Allele origin: germline. Affected: yes. Not counted in ClinVar's aggregate classification.

Department of Pathology and Laboratory Medicine, Sinai Health System
Classification: Pathogenic for Malignant tumor of breast. Review status: no assertion criteria provided. Collection method: clinical testing. Allele origin: unknown. Affected: yes. Observed: 2 variant alleles. Study: The Canadian Open Genetics Repository (COGR). Not counted in ClinVar's aggregate classification.
Comment: The BRCA2 p.Gln1037X variant was identified in 20 of 4154 proband chromosomes (frequency: 0.005) from Chinese, Malaysian and Pakistani individuals or families with HBOC, ovarian or breast cancer and was not identified in 200 control chromosomes from healthy individuals (Liede 2002, Khoo 2000, Kurian 2008, Ng 2016, Yang 2017, Kwong 2012, Cao 2016). Haplotype analysis was performed on family members and unrelated BRCA negative Chinese control individuals and with the exception of the controls all carriers shared the same haplotype, suggesting the variant is a founder mutation in the Chinese population (Kwong 2012). The variant was also identified in dbSNP (ID: rs80358557) as â€šÃ„ÃºWith Pathogenic, Uncertain significance alleleâ€šÃ„Ã¹, in ClinVar (classified as pathogenic, reviewed by an expert panel 2016; submitters: ENIGMA, CIMBA, Invitae, GeneDx, Ambry Genetics, SCRP, and BIC), Clinvitae (4x), COGR (classified as pathogenic by 2 clinical laboratories), LOVD 3.0 (1x), BIC Database (5x, classified as pathogenic), ARUP Laboratories (classified as definitely pathogenic), Zhejiang University Database (3x), and was not identified in Cosmic, MutDB, and UMD-LSDB. The variant was identified in control databases in 1 of 244370 chromosomes at a frequency of 0.000004 (Genome Aggregation Database Feb 27, 2017), in the East Asian population in 1 of 17218 chromosomes (freq: 0.00006); it was not observed in the African, Other, Latino, European Non-Finnish, Ashkenazi Jewish, Finnish, and South Asian populations. The c.3109C>T variant leads to a premature stop codon at position 1037 which is predicted to lead to a truncated or absent protein and loss of function. Loss of function variants of the BRCA2 gene are an established mechanism of disease in hereditary breast and ovarian cancer and is the type of variant expected to cause the disorder. In summary, based on the above information this variant meets our laboratoryâ€šÃ„Ã´s criteria to be classified as pathogenic.

Literature cited by the submitters: PubMed 20104584 (cited by 3 submitters); PubMed 10874312 (cited by 4 submitters); PubMed 18489799 (cited by 4 submitters); PubMed 19353265 (cited by 4 submitters); PubMed 22970155 (cited by 7 submitters); PubMed 26187060 (cited by 3 submitters); PubMed 26757417 (cited by 5 submitters); PubMed 26852015 (cited by 4 submitters); PubMed 29752822 (cited by First Genomix Gene Laboratory, Genetic Diagnostics Department and Color Diagnostics, LLC DBA Color Health); PubMed 28294317 (cited by 5 submitters); PubMed 32318955 (cited by Division of Genetic & Genomic Pathology, Hong Kong Children's Hospital and Quest Diagnostics Nichols Institute San Juan Capistrano); PubMed 37310942 (cited by Division of Genetic & Genomic Pathology, Hong Kong Children's Hospital); PubMed 11857749 (cited by Color Diagnostics, LLC DBA Color Health); PubMed 12181777 (cited by 3 submitters); PubMed 28664506 (cited by 3 submitters); PubMed 31853058 (cited by Color Diagnostics, LLC DBA Color Health); PubMed 33471991 (cited by Color Diagnostics, LLC DBA Color Health); PubMed 21559243 (cited by Quest Diagnostics Nichols Institute San Juan Capistrano); PubMed 28692638 (cited by Quest Diagnostics Nichols Institute San Juan Capistrano); PubMed 28993434 (cited by Quest Diagnostics Nichols Institute San Juan Capistrano); PubMed 29566657 (cited by Quest Diagnostics Nichols Institute San Juan Capistrano); PubMed 30982232 (cited by Quest Diagnostics Nichols Institute San Juan Capistrano); PubMed 29446198 (cited by Quest Diagnostics Nichols Institute San Juan Capistrano); PubMed 31957001 (cited by Quest Diagnostics Nichols Institute San Juan Capistrano).